The following is an entry in ClinVar:

ClinVar aggregate classification (germline): Uncertain significance. Review status: criteria provided, multiple submitters, no conflicts (2 of 4 stars). 2 submissions from 2 submitters: Uncertain significance (2). Last evaluated 2025-02-06.

Conditions:
Developmental and epileptic encephalopathy, 27 (DEE27). Also called: GRIN2B-Related Neurodevelopmental Disorder; Epileptic encephalopathy, early infantile, 27. Identifiers: Orphanet 3451, MedGen C4015316, MONDO:0014505, OMIM 616139.
Intellectual developmental disorder, autosomal dominant 6, with or without seizures. Also called: Intellectual disability, autosomal dominant 6; GRIN2B-related developmental delay, intellectual disability and autism spectrum disorder. Identifiers: Orphanet 589547, MedGen C3151411, MONDO:0013509, OMIM 613970.

Allele frequency attached by ClinVar (database versions not stated): TOPMed below 0.00001; gnomAD 0.00001; gnomAD exomes 0.00001.
gnomAD v4.1: 10 of 1,613,990 alleles (0.00062%); highest among the groups gnomAD compares: Non-Finnish European, 0.00085%; no homozygotes.

Submissions (2):

ARUP Laboratories, Molecular Genetics and Genomics, ARUP Laboratories
Classification: Uncertain significance. Last evaluated: 2025-02-06. Review status: criteria provided, single submitter. Criteria: ARUP Molecular Germline Variant Investigation Process 2024. Collection method: clinical testing. Allele origin: germline.

Labcorp Genetics (formerly Invitae), Labcorp
Classification: Uncertain significance for Developmental and epileptic encephalopathy, 27; Intellectual developmental disorder, autosomal dominant 6, with or without seizures. Last evaluated: 2022-09-19. Review status: criteria provided, single submitter. Criteria: Invitae Variant Classification Sherloc (09022015). Collection method: clinical testing. Allele origin: germline.
Comment: In summary, the available evidence is currently insufficient to determine the role of this variant in disease. Therefore, it has been classified as a Variant of Uncertain Significance. Advanced modeling of protein sequence and biophysical properties (such as structural, functional, and spatial information, amino acid conservation, physicochemical variation, residue mobility, and thermodynamic stability) performed at Invitae indicates that this missense variant is not expected to disrupt GRIN2B protein function. This variant has not been reported in the literature in individuals affected with GRIN2B-related conditions. This variant is not present in population databases (gnomAD no frequency). This sequence change replaces serine, which is neutral and polar, with threonine, which is neutral and polar, at codon 1143 of the GRIN2B protein (p.Ser1143Thr).

NM_000834.5(GRIN2B):c.3427T>A (p.Ser1143Thr)

Gene: GRIN2B (glutamate ionotropic receptor NMDA type subunit 2B; minus strand). Cytogenetic location: 12p13.1.
Variant type: single nucleotide variant.
Coding change: c.3427T>A on transcript NM_000834.5 (MANE Select); coding-DNA position 3427, T replaced by A.
Protein change: p.Ser1143Thr; replaces serine 1143 with threonine.
Molecular consequence: missense variant.
Genome position (GRCh38, 1-based): chr12:13,563,811, A>T on the plus strand (T>A on the coding strand, the complement: GRIN2B is on the minus strand). VCF-style: chr12-13563811-A-T. GRCh37 (hg19) VCF-style: chr12-13716745-A-T.
Other names: c.3427T>A, p.Ser1143Thr (NM_001413992.1); short protein forms S1143T.
Identifiers: ClinVar variation 2176104 (VCV002176104.5), dbSNP rs1221078763, ClinGen allele CA383989396.